The following is an entry in ClinVar:

ClinVar aggregate classification (germline): Uncertain significance. Review status: criteria provided, multiple submitters, no conflicts (2 of 4 stars). 2 submissions from 2 submitters: Uncertain significance (2). Last evaluated 2022-07-19.

Conditions:
Hereditary pulmonary alveolar proteinosis. Also called: Pulmonary surfactant metabolism dysfunction. Identifiers: Orphanet 264675, MedGen C3711368, MONDO:0012580.

Allele frequency attached by ClinVar (database versions not stated): gnomAD 0.00002; gnomAD exomes 0.00002 and 0.00004; ExAC 0.00003; TOPMed 0.00003; ESP Exome Variant Server 0.00008.
gnomAD v4.1: 54 of 1,613,198 alleles (0.0033%); highest among the groups gnomAD compares: Non-Finnish European, 0.0043%; no homozygotes.

Submissions (2):

Labcorp Genetics (formerly Invitae), Labcorp
Classification: Uncertain significance. Last evaluated: 2022-07-19. Review status: criteria provided, single submitter. Criteria: Invitae Variant Classification Sherloc (09022015). Collection method: clinical testing. Allele origin: germline.
Comment: This sequence change replaces alanine, which is neutral and non-polar, with valine, which is neutral and non-polar, at codon 1166 of the ABCA3 protein (p.Ala1166Val). This variant is present in population databases (rs148473733, gnomAD 0.006%). This variant has not been reported in the literature in individuals affected with ABCA3-related conditions. ClinVar contains an entry for this variant (Variation ID: 1439982). Algorithms developed to predict the effect of missense changes on protein structure and function (SIFT, PolyPhen-2, Align-GVGD) all suggest that this variant is likely to be tolerated. Algorithms developed to predict the effect of sequence changes on RNA splicing suggest that this variant may create or strengthen a splice site. In summary, the available evidence is currently insufficient to determine the role of this variant in disease. Therefore, it has been classified as a Variant of Uncertain Significance.

Ambry Genetics
Classification: Uncertain significance for Hereditary pulmonary alveolar proteinosis. Last evaluated: 2015-07-29. Review status: criteria provided, single submitter. Criteria: Ambry Variant Classification Scheme 2023. Collection method: clinical testing. Allele origin: germline.
Comment: The p.A1166V variant (also known as c.3497C>T), located in coding exon 21 of the ABCA3 gene, results from a C to T substitution at nucleotide position 3497. The alanine at codon 1166 is replaced by valine, an amino acid with similar properties. This variant was previously reported in the SNPDatabase as rs148473733. Based on data from the NHLBI Exome Sequencing Project (ESP), the T allele has an overall frequency of approximately 0.01% (1/12996) total alleles studied and 0.01% (1/8600) European American alleles. This variant was not reported in the 1000 Genomes Project. In addition, this alteration is predicted to be tolerated by in silico analysis. Since clinical data on this variant is limited at this time, its clinical significance is unclear.

NM_001089.3(ABCA3):c.3497C>T (p.Ala1166Val)

Gene: ABCA3 (ATP binding cassette subfamily A member 3; minus strand). Cytogenetic location: 16p13.3.
Variant type: single nucleotide variant.
Coding change: c.3497C>T on transcript NM_001089.3 (MANE Select); coding-DNA position 3497, C replaced by T.
Protein change: p.Ala1166Val; replaces alanine 1166 with valine.
Molecular consequence: missense variant.
Genome position (GRCh38, 1-based): chr16:2,284,985, G>A on the plus strand (C>T on the coding strand, the complement: ABCA3 is on the minus strand). VCF-style: chr16-2284985-G-A. GRCh37 (hg19) VCF-style: chr16-2334986-G-A.
Other names: short protein forms A1166V.
Identifiers: ClinVar variation 1439982 (VCV001439982.5), dbSNP rs148473733, ClinGen allele CA7840481.
Genomic context (GRCh38, chr16:2,284,985, plus strand): 5'-AGGAGCAGCAGCAGGGTGTCAGCCATGTGGCCGTCCCGCGTGAAGGCACGCACGTCGAAG[G>A]CCTTAAACACCACCTGCGGCGGCACAGGGAGGCGCTGCTGTGCATGCCAAGCTGAGAGGA-3'
Protein context (NP_001080.2, residues 1156-1176): PSLLLLVVFK[Ala1166Val]FDVRAFTRDG